The following is an entry in ClinVar:

ClinVar aggregate classification (germline): Pathogenic (1 of 4 stars; one submission).

Conditions:
Spastic paraplegia. Identifiers: MedGen C0037772, HP:0001258.

Submission:

Labcorp Genetics (formerly Invitae), Labcorp
Classification: Pathogenic for Spastic paraplegia. Last evaluated: 2024-03-04. Review status: criteria provided, single submitter. Criteria: Invitae Variant Classification Sherloc (09022015). Collection method: clinical testing. Allele origin: germline.
Comment: This sequence change creates a premature translational stop signal (p.Gly4282Valfs*26) in the SACS gene. While this is not anticipated to result in nonsense mediated decay, it is expected to disrupt the last 298 amino acid(s) of the SACS protein. This variant is not present in population databases (gnomAD no frequency). This variant has not been reported in the literature in individuals affected with SACS-related conditions. This variant disrupts a region of the SACS protein in which other variant(s) (p.Asn4549Asp) have been determined to be pathogenic (PMID: 15156359, 21507954). This suggests that this is a clinically significant region of the protein, and that variants that disrupt it are likely to be disease-causing. For these reasons, this variant has been classified as Pathogenic.

Literature cited by the submitters: PubMed 15156359; PubMed 21507954.

NM_014363.6(SACS):c.12845del (p.Gly4282fs)

Gene: SACS (sacsin molecular chaperone; minus strand). Cytogenetic location: 13q12.12.
Variant type: Deletion.
Coding change: c.12845del on transcript NM_014363.6 (MANE Select); coding-DNA position 12845, one base deleted (G; older notation c.12845delG).
Protein change: p.Gly4282fs; shifts the reading frame from glycine 4282.
Molecular consequence: frameshift variant.
Genome position (GRCh38, 1-based): chr13:23,331,031, C deleted on the plus strand (G on the coding strand, the reverse complement: SACS is on the minus strand); the first of 2 consecutive C bases (chr13:23,331,031-23,331,032); deleting either gives the same sequence. VCF-style (leftmost placement, unchanged base first): chr13-23331030-AC-A. GRCh37 (hg19) VCF-style: chr13-23905169-AC-A.
Other names: c.12404del, p.Gly4135fs (NM_001278055.2); short protein forms G4135fs, G4282fs.
Identifiers: ClinVar variation 3644466 (VCV003644466.2).